The following is an entry in ClinVar:

ClinVar aggregate classification (germline): Benign (3 of 4 stars; one submission).

Conditions:
Breast-ovarian cancer, familial, susceptibility to, 2 (BROVCA2). Also called: BRCA2 Hereditary Breast and Ovarian Cancer. Identifiers: Orphanet 145, MedGen C2675520, MONDO:0012933, OMIM 612555. Disease mechanism: loss of function.

Allele frequency attached by ClinVar (database versions not stated): TOPMed 0.21868; gnomAD 0.21997 and 0.22198; 1000 Genomes Project 30x 0.22705; 1000 Genomes Project 0.23283.
gnomAD v4.1: 33,703 of 152,192 alleles (22%); highest among the groups gnomAD compares: East Asian, 40%; 3,851 homozygotes.

Submission:

Evidence-based Network for the Interpretation of Germline Mutant Alleles (ENIGMA)
Classification: Benign for Breast-ovarian cancer, familial 2. Last evaluated: 2015-01-12. Review status: reviewed by expert panel. Criteria: ENIGMA BRCA1/2 Classification Criteria (2015). Collection method: curation. Allele origin: germline.
Comment: Class 1 not pathogenic based on frequency >1% in an outbred sampleset. Frequency 0.3864 (Asian), 0.1606 (African), 0.219 (European), derived from 1000 genomes (2012-04-30).

NM_000059.4(BRCA2):c.7805+1860A>G

Gene: BRCA2 (BRCA2 DNA repair associated; plus strand). Cytogenetic location: 13q13.1.
Variant type: single nucleotide variant.
Coding change: c.7805+1860A>G on transcript NM_000059.4 (MANE Select); 1860 bases into the intron after coding-DNA position 7805, A replaced by G.
Molecular consequence: intron variant.
Genome position (GRCh38, 1-based): chr13:32,359,789, A>G. VCF-style: chr13-32359789-A-G. GRCh37 (hg19) VCF-style: chr13-32933926-A-G.
Other names: IVS 16+1860A>G.
Identifiers: ClinVar variation 209765 (VCV000209765.1), dbSNP rs9567600, ClinGen allele CA276733.
Genomic context (GRCh38, chr13:32,359,789, plus strand): 5'-GTATTATTTTCTCGTACTAAATAGACTGCATAAGGTAGAAGTTAAGAATGATTGCCCTGT[A>G]GTCTAAGTGGAAATGTGGAGGCTTTCGTTAGTTTTTTCTGATAATTCAGCAAATCTCTAT-3'